The following is an entry in ClinVar:

ClinVar aggregate classification (germline): Conflicting classifications of pathogenicity. Review status: criteria provided, conflicting classifications (1 of 4 stars). 3 submissions from 3 submitters: Uncertain significance (1); Likely benign (2). Last evaluated 2025-05-23.

Conditions:
Dilated cardiomyopathy 1AA (CMD1AA). Also called: Cardiomyopathy, dilated, 1AA, with or without LVNC; CARDIOMYOPATHY, DILATED, 1AA, WITH OR WITHOUT LEFT VENTRICULAR NONCOMPACTION; CARDIOMYOPATHY, FAMILIAL HYPERTROPHIC, 23, WITH OR WITHOUT LEFT VENTRICULAR NONCOMPACTION. Identifiers: Orphanet 154, MedGen C2677338, MONDO:0012808, OMIM 612158.
Primary familial hypertrophic cardiomyopathy (HCM). Identifiers: Orphanet 99739, MedGen C0949658, MeSH D024741, MONDO:0024573. Inheritance: Various modes of inheritance.
Cardiovascular phenotype. Identifiers: MedGen CN230736.

Allele frequency attached by ClinVar (database versions not stated): gnomAD 0.00001; gnomAD exomes 0.00001 and 0.00002; ExAC 0.00002.
gnomAD v4.1: 9 of 1,614,048 alleles (0.00056%); highest among the groups gnomAD compares: African/African-American, 0.0067%; no homozygotes.

Submissions (3):

Labcorp Genetics (formerly Invitae), Labcorp
Classification: Likely benign for Primary familial hypertrophic cardiomyopathy; Dilated cardiomyopathy 1AA. Last evaluated: 2025-05-23. Review status: criteria provided, single submitter. Criteria: Invitae Variant Classification Sherloc (09022015). Collection method: clinical testing. Allele origin: germline.

Ambry Genetics
Classification: Uncertain significance for Cardiovascular phenotype. Last evaluated: 2022-06-14. Review status: criteria provided, single submitter. Criteria: Ambry Variant Classification Scheme 2023. Collection method: clinical testing. Allele origin: germline.
Comment: The p.F817L variant (also known as c.2449T>C), located in coding exon 20 of the ACTN2 gene, results from a T to C substitution at nucleotide position 2449. The phenylalanine at codon 817 is replaced by leucine, an amino acid with highly similar properties. This amino acid position is conserved. In addition, this alteration is predicted to be deleterious by in silico analysis. Since supporting evidence is limited at this time, the clinical significance of this alteration remains unclear.

Blueprint Genetics
Classification: Likely benign. Last evaluated: 2021-10-22. Review status: criteria provided, single submitter. Criteria: ACMG Guidelines, 2015. Collection method: clinical testing. Allele origin: germline.

NM_001103.4(ACTN2):c.2449T>C (p.Phe817Leu)

Gene: ACTN2 (actinin alpha 2; plus strand). Cytogenetic location: 1q43.
Variant type: single nucleotide variant.
Coding change: c.2449T>C on transcript NM_001103.4 (MANE Select); coding-DNA position 2449, T replaced by C.
Protein change: p.Phe817Leu; replaces phenylalanine 817 with leucine.
Molecular consequence: missense variant.
Genome position (GRCh38, 1-based): chr1:236,761,096, T>C. VCF-style: chr1-236761096-T-C. GRCh37 (hg19) VCF-style: chr1-236924396-T-C.
Other names: c.2449T>C, p.Phe817Leu (NM_001278343.2); c.1825T>C, p.Phe609Leu (NM_001278344.2); short protein forms F609L, F817L.
Identifiers: ClinVar variation 1062785 (VCV001062785.12), dbSNP rs757713931, ClinGen allele CA1473448.